The following is an entry in ClinVar:

ClinVar aggregate classification (germline): Uncertain significance (1 of 4 stars; one submission).

Submission:

Dasa
Classification: Uncertain significance. Last evaluated: 2025-05-17. Review status: criteria provided, single submitter. Criteria: DASA Assertion Criteria. Collection method: clinical testing. Allele origin: germline.
Comment: NM_001282225.2(ADA2):c.64T>G (p.Ser22Ala) is a missense variant that results in the substitution of serine with alanine. This variant has been observed in affected individuals with ADA2-related disorders. Also, this variant is rare in population databases. Computational prediction algorithms are consistent with a benign effect. The currently available literature and clinical evidence are not sufficient to establish a definitive association between this variant and the reported condition. Therefore, this variant is classified as a variant of uncertain significance.

NM_001282225.2(ADA2):c.64T>G (p.Ser22Ala)

Gene: ADA2 (adenosine deaminase 2; minus strand). Cytogenetic location: 22q11.1.
Variant type: single nucleotide variant.
Coding change: c.64T>G on transcript NM_001282225.2 (MANE Select); coding-DNA position 64, T replaced by G.
Protein change: p.Ser22Ala; replaces serine 22 with alanine.
Molecular consequence: missense variant. On other transcripts: intron variant (3).
Genome position (GRCh38, 1-based): chr22:17,209,614, A>C on the plus strand (T>G on the coding strand, the complement: ADA2 is on the minus strand). VCF-style: chr22-17209614-A-C. GRCh37 (hg19) VCF-style: chr22-17690504-A-C.
Other names: c.64T>G, p.Ser22Ala (NM_001282226.2); c.-47-16T>G (NM_001282227.2, NM_001282228.2); c.-38-2324T>G (NM_001282229.2); short protein forms S22A.
Identifiers: ClinVar variation 5020958 (VCV005020958.1).
Genomic context (GRCh38, chr22:17,209,614, plus strand): 5'-TTTCTTTCAACAACAGATGCGCCCGTGTTTCATCTATGGATAGAGCTGAGCCGAAGAAAG[A>C]CATTGCCACAGCCAACAGCAAGAAGCACAGGGCTGGCCGCTCAGATGGGCCATCCACCAA-3'
Protein context (NP_001269154.1, residues 12-32): LCFLLLAVAM[Ser22Ala]FFGSALSIDE